The following is an entry in ClinVar:

ClinVar aggregate classification (germline): Uncertain significance (1 of 4 stars; one submission).

Submission:

Labcorp Genetics (formerly Invitae), Labcorp
Classification: Uncertain significance. Last evaluated: 2023-10-05. Review status: criteria provided, single submitter. Criteria: Invitae Variant Classification Sherloc (09022015). Collection method: clinical testing. Allele origin: germline.
Comment: This sequence change replaces threonine, which is neutral and polar, with alanine, which is neutral and non-polar, at codon 1551 of the SNRNP200 protein (p.Thr1551Ala). This variant is not present in population databases (gnomAD no frequency). This variant has not been reported in the literature in individuals affected with SNRNP200-related conditions. Advanced modeling of protein sequence and biophysical properties (such as structural, functional, and spatial information, amino acid conservation, physicochemical variation, residue mobility, and thermodynamic stability) performed at Invitae indicates that this missense variant is not expected to disrupt SNRNP200 protein function. In summary, the available evidence is currently insufficient to determine the role of this variant in disease. Therefore, it has been classified as a Variant of Uncertain Significance.

NM_014014.5(SNRNP200):c.4651A>G (p.Thr1551Ala)

Gene: SNRNP200 (small nuclear ribonucleoprotein U5 subunit 200; minus strand). Cytogenetic location: 2q11.2.
Variant type: single nucleotide variant.
Coding change: c.4651A>G on transcript NM_014014.5 (MANE Select); coding-DNA position 4651, A replaced by G.
Protein change: p.Thr1551Ala; replaces threonine 1551 with alanine.
Molecular consequence: missense variant.
Genome position (GRCh38, 1-based): chr2:96,283,647, T>C on the plus strand (A>G on the coding strand, the complement: SNRNP200 is on the minus strand). VCF-style: chr2-96283647-T-C. GRCh37 (hg19) VCF-style: chr2-96949385-T-C.
Other names: short protein forms T1551A.
Identifiers: ClinVar variation 2766125 (VCV002766125.3), dbSNP rs2467321768, ClinGen allele CA347664173.